The following is an entry in ClinVar:

ClinVar aggregate classification (germline): Uncertain significance (1 of 4 stars; one submission).

Conditions:
Autosomal recessive limb-girdle muscular dystrophy type R18 (LGMDR18). Also called: MUSCULAR DYSTROPHY, LIMB-GIRDLE, AUTOSOMAL RECESSIVE 18; Limb-girdle muscular dystrophy, type 2S; Autosomal recessive limb-girdle muscular dystrophy type 2S. Identifiers: Orphanet 369840, MedGen C4517996, MONDO:0014144, OMIM 615356.

Allele frequency attached by ClinVar (database versions not stated): gnomAD exomes below 0.00001.
gnomAD v4.1: 1 of 1,613,856 alleles (0.000062%); highest among the groups gnomAD compares: South Asian, 0.0011%; no homozygotes.

Submission:

Labcorp Genetics (formerly Invitae), Labcorp
Classification: Uncertain significance for Autosomal recessive limb-girdle muscular dystrophy type R18. Last evaluated: 2019-05-08. Review status: criteria provided, single submitter. Criteria: Invitae Variant Classification Sherloc (09022015). Collection method: clinical testing. Allele origin: germline.
Comment: In summary, the available evidence is currently insufficient to determine the role of this variant in disease. Therefore, it has been classified as a Variant of Uncertain Significance. Nucleotide substitutions within the consensus splice site are a relatively common cause of aberrant splicing (PMID: 17576681, 9536098). Algorithms developed to predict the effect of sequence changes on RNA splicing suggest that this variant is not likely to affect RNA splicing, but this prediction has not been confirmed by published transcriptional studies. This variant has not been reported in the literature in individuals with TRAPPC11-related conditions. This variant is not present in population databases (ExAC no frequency). This sequence change falls in intron 18 of the TRAPPC11 gene. It does not directly change the encoded amino acid sequence of the TRAPPC11 protein, but it affects a nucleotide within the consensus splice site of the intron.

Literature cited by the submitters: PubMed 17576681; PubMed 9536098.

NM_021942.6(TRAPPC11):c.1893+5T>A

Gene: TRAPPC11 (trafficking protein particle complex subunit 11; plus strand). Cytogenetic location: 4q35.1.
Variant type: single nucleotide variant.
Coding change: c.1893+5T>A on transcript NM_021942.6 (MANE Select); 5 bases into the intron after coding-DNA position 1893, T replaced by A.
Molecular consequence: intron variant.
Genome position (GRCh38, 1-based): chr4:183,686,753, T>A. VCF-style: chr4-183686753-T-A. GRCh37 (hg19) VCF-style: chr4-184607906-T-A.
Other names: c.1893+5T>A (NM_199053.3).
Identifiers: ClinVar variation 947900 (VCV000947900.10), dbSNP rs1735992541, ClinGen allele CA1139658713.